The following is an entry in ClinVar:

ClinVar aggregate classification (germline): Conflicting classifications of pathogenicity. Review status: criteria provided, conflicting classifications (1 of 4 stars). 2 submissions from 2 submitters: Uncertain significance (1); Likely benign (1). Last evaluated 2021-08-27.

Conditions:
Inborn genetic diseases. Identifiers: MedGen C0950123, MeSH D030342.
Charcot-Marie-Tooth disease type 4. Also called: Charcot-Marie-Tooth disease, type IV; Charcot-Marie-Tooth, Type 4. Identifiers: Orphanet 64749, MedGen C4082197, MONDO:0018995.

Allele frequency attached by ClinVar (database versions not stated): gnomAD exomes below 0.00001 and 0.00001; TOPMed 0.00001.
gnomAD v4.1: 3 of 1,614,026 alleles (0.00019%); highest among the groups gnomAD compares: Admixed American, 0.005%; no homozygotes.

Submissions (2):

Labcorp Genetics (formerly Invitae), Labcorp
Classification: Uncertain significance for Charcot-Marie-Tooth disease type 4. Last evaluated: 2021-08-27. Review status: criteria provided, single submitter. Criteria: Invitae Variant Classification Sherloc (09022015). Collection method: clinical testing. Allele origin: germline.
Comment: This sequence change replaces glycine with arginine at codon 869 of the PRX protein (p.Gly869Arg). The glycine residue is weakly conserved and there is a moderate physicochemical difference between glycine and arginine. This variant is not present in population databases (ExAC no frequency). This variant has not been reported in the literature in individuals affected with PRX-related conditions. Algorithms developed to predict the effect of missense changes on protein structure and function output the following: SIFT: "Tolerated"; PolyPhen-2: "Probably Damaging"; Align-GVGD: "Class C0". The arginine amino acid residue is found in multiple mammalian species, which suggests that this missense change does not adversely affect protein function. In summary, the available evidence is currently insufficient to determine the role of this variant in disease. Therefore, it has been classified as a Variant of Uncertain Significance.

Ambry Genetics
Classification: Likely benign for Inborn genetic diseases. Last evaluated: 2021-03-17. Review status: criteria provided, single submitter. Criteria: Ambry Variant Classification Scheme 2023. Collection method: clinical testing. Allele origin: germline.

NM_181882.3(PRX):c.2605G>A (p.Gly869Arg)

Gene: PRX (periaxin; minus strand). Cytogenetic location: 19q13.2.
Variant type: single nucleotide variant.
Coding change: c.2605G>A on transcript NM_181882.3 (MANE Select); coding-DNA position 2605, G replaced by A.
Protein change: p.Gly869Arg; replaces glycine 869 with arginine.
Molecular consequence: missense variant. On other transcripts: 3 prime UTR variant (1).
Genome position (GRCh38, 1-based): chr19:40,395,747, C>T on the plus strand (G>A on the coding strand, the complement: PRX is on the minus strand). VCF-style: chr19-40395747-C-T. GRCh37 (hg19) VCF-style: chr19-40901654-C-T.
Other names: c.*2810G>A (NM_020956.2); short protein forms G869R.
Identifiers: ClinVar variation 476959 (VCV000476959.7), dbSNP rs1555800819, ClinGen allele CA405895948.